The following is an entry in ClinVar:

ClinVar aggregate classification (germline): Uncertain significance (1 of 4 stars; one submission).

Conditions:
Werner syndrome (WRN). Identifiers: Orphanet 902, MedGen C0043119, MONDO:0010196, OMIM 277700.

Submission:

Labcorp Genetics (formerly Invitae), Labcorp
Classification: Uncertain significance for Werner syndrome. Last evaluated: 2022-03-27. Review status: criteria provided, single submitter. Criteria: Invitae Variant Classification Sherloc (09022015). Collection method: clinical testing. Allele origin: germline.
Comment: In summary, the available evidence is currently insufficient to determine the role of this variant in disease. Therefore, it has been classified as a Variant of Uncertain Significance. Algorithms developed to predict the effect of missense changes on protein structure and function are either unavailable or do not agree on the potential impact of this missense change (SIFT: "Not Available"; PolyPhen-2: "Benign"; Align-GVGD: "Not Available"). This variant has not been reported in the literature in individuals affected with WRN-related conditions. This variant is not present in population databases (gnomAD no frequency). This sequence change replaces serine, which is neutral and polar, with phenylalanine, which is neutral and non-polar, at codon 968 of the WRN protein (p.Ser968Phe).

NM_000553.6(WRN):c.2903C>T (p.Ser968Phe)

Gene: WRN (WRN RecQ like helicase; plus strand). Cytogenetic location: 8p12.
Variant type: single nucleotide variant.
Coding change: c.2903C>T on transcript NM_000553.6 (MANE Select); coding-DNA position 2903, C replaced by T.
Protein change: p.Ser968Phe; replaces serine 968 with phenylalanine.
Molecular consequence: missense variant.
Genome position (GRCh38, 1-based): chr8:31,132,442, C>T. VCF-style: chr8-31132442-C-T. GRCh37 (hg19) VCF-style: chr8-30989958-C-T.
Other names: short protein forms S968F.
Identifiers: ClinVar variation 1958435 (VCV001958435.5), dbSNP rs2536012331, ClinGen allele CA370919070.